The following is an entry in ClinVar:

ClinVar aggregate classification (germline): Uncertain significance (1 of 4 stars; one submission).

Submission:

Labcorp Genetics (formerly Invitae), Labcorp
Classification: Uncertain significance. Last evaluated: 2024-01-08. Review status: criteria provided, single submitter. Criteria: Invitae Variant Classification Sherloc (09022015). Collection method: clinical testing. Allele origin: germline.
Comment: This sequence change replaces methionine, which is neutral and non-polar, with arginine, which is basic and polar, at codon 150 of the TBX20 protein (p.Met150Arg). This variant is not present in population databases (gnomAD no frequency). This variant has not been reported in the literature in individuals affected with TBX20-related conditions. Advanced modeling of protein sequence and biophysical properties (such as structural, functional, and spatial information, amino acid conservation, physicochemical variation, residue mobility, and thermodynamic stability) performed at Invitae indicates that this missense variant is expected to disrupt TBX20 protein function with a positive predictive value of 80%. In summary, the available evidence is currently insufficient to determine the role of this variant in disease. Therefore, it has been classified as a Variant of Uncertain Significance.

NM_001077653.2(TBX20):c.449T>G (p.Met150Arg)

Gene: TBX20 (T-box transcription factor 20; minus strand). Cytogenetic location: 7p14.2.
Variant type: single nucleotide variant.
Coding change: c.449T>G on transcript NM_001077653.2 (MANE Select); coding-DNA position 449, T replaced by G.
Protein change: p.Met150Arg; replaces methionine 150 with arginine.
Molecular consequence: missense variant.
Genome position (GRCh38, 1-based): chr7:35,248,773, A>C on the plus strand (T>G on the coding strand, the complement: TBX20 is on the minus strand). VCF-style: chr7-35248773-A-C. GRCh37 (hg19) VCF-style: chr7-35288385-A-C.
Other names: c.449T>G, p.Met150Arg (NM_001166220.1); short protein forms M150R.
Identifiers: ClinVar variation 2708292 (VCV002708292.3), dbSNP rs2546996455, ClinGen allele CA367264718.